The following is an entry in ClinVar:

ClinVar aggregate classification (germline): Uncertain significance (1 of 4 stars; one submission).

Submission:

Labcorp Genetics (formerly Invitae), Labcorp
Classification: Uncertain significance. Last evaluated: 2021-09-26. Review status: criteria provided, single submitter. Criteria: Invitae Variant Classification Sherloc (09022015). Collection method: clinical testing. Allele origin: germline.
Comment: In summary, the available evidence is currently insufficient to determine the role of this variant in disease. Therefore, it has been classified as a Variant of Uncertain Significance. Algorithms developed to predict the effect of missense changes on protein structure and function are either unavailable or do not agree on the potential impact of this missense change (SIFT: "Deleterious"; PolyPhen-2: "Possibly Damaging"; Align-GVGD: "Class C0"). This variant has not been reported in the literature in individuals affected with VAV1-related conditions. This variant is not present in population databases (ExAC no frequency). This sequence change replaces proline with threonine at codon 608 of the VAV1 protein (p.Pro608Thr). The proline residue is highly conserved and there is a small physicochemical difference between proline and threonine.

NM_005428.4(VAV1):c.1822C>A (p.Pro608Thr)

Gene: VAV1 (vav guanine nucleotide exchange factor 1; plus strand). Cytogenetic location: 19p13.3.
Variant type: single nucleotide variant.
Coding change: c.1822C>A on transcript NM_005428.4 (MANE Select); coding-DNA position 1822, C replaced by A.
Protein change: p.Pro608Thr; replaces proline 608 with threonine.
Molecular consequence: missense variant.
Genome position (GRCh38, 1-based): chr19:6,836,476, C>A. VCF-style: chr19-6836476-C-A. GRCh37 (hg19) VCF-style: chr19-6836487-C-A.
Other names: c.1822C>A, p.Pro608Thr (NM_001258206.2); c.1726C>A, p.Pro576Thr (NM_001258207.2); short protein forms P576T, P608T.
Identifiers: ClinVar variation 1383289 (VCV001383289.6), dbSNP rs2144799995, ClinGen allele CA403631421.